The following is an entry in ClinVar:

NM_000116.5(TAFAZZIN):c.777+1G>A

Gene: TAFAZZIN (tafazzin, phospholipid-lysophospholipid transacylase; plus strand). Cytogenetic location: Xq28.
Variant type: single nucleotide variant.
Coding change: c.777+1G>A on transcript NM_000116.5 (MANE Select); the canonical splice donor site of the intron after coding-DNA position 777, G replaced by A.
Molecular consequence: splice donor variant.
Genome position (GRCh38, 1-based): chrX:154,420,736, G>A. VCF-style: chrX-154420736-G-A. GRCh37 (hg19) VCF-style: chrX-153649075-G-A.
Other names: c.789+1G>A (NM_001303465.2); c.741+1G>A (NM_001410698.1); c.735+1G>A (NM_181312.4); c.687+1G>A (NM_181311.4); c.645+1G>A (NM_181313.4).
Identifiers: ClinVar variation 928890 (VCV000928890.6), dbSNP rs2068606932, ClinGen allele CA415185542.

ClinVar aggregate classification (germline): Pathogenic/Likely pathogenic. Review status: criteria provided, multiple submitters, no conflicts (2 of 4 stars). 3 submissions from 3 submitters: Pathogenic (2); Likely pathogenic (1). Last evaluated 2025-09-08.

Conditions:
Cardiomyopathy (CMYO). Also called: Cardiomyopathies. Identifiers: Orphanet 167848, MedGen C0878544, MONDO:0004994, HP:0001638. Inheritance: Various modes of inheritance.
3-Methylglutaconic aciduria type 2 (BTHS). Also called: Barth syndrome; CARDIOSKELETAL MYOPATHY WITH NEUTROPENIA AND ABNORMAL MITOCHONDRIA. Identifiers: Orphanet 111, MedGen C0574083, MONDO:0010543, OMIM 302060.

Submissions (3):

Labcorp Genetics (formerly Invitae), Labcorp
Classification: Pathogenic for 3-Methylglutaconic aciduria type 2. Last evaluated: 2025-09-08. Review status: criteria provided, single submitter. Criteria: Invitae Variant Classification Sherloc (09022015). Collection method: clinical testing. Allele origin: germline.
Comment: This sequence change affects a donor splice site in intron 10 of the TAZ gene. While this variant is not anticipated to result in nonsense mediated decay, it likely alters RNA splicing and results in a disrupted protein product. This variant is not present in population databases (gnomAD no frequency). Disruption of this splice site has been observed in individual(s) with clinical features of Barth syndrome (PMID: 11238270, 37654687; internal data). ClinVar contains an entry for this variant (Variation ID: 928890). Variants that disrupt the consensus splice site are a relatively common cause of aberrant splicing (PMID: 17576681, 9536098). Algorithms developed to predict the effect of sequence changes on RNA splicing suggest that this variant may disrupt the consensus splice site. For these reasons, this variant has been classified as Pathogenic.

Molecular Diagnostics Lab, Nemours Children's Health, Delaware
Classification: Pathogenic for 3-Methylglutaconic aciduria type 2. Last evaluated: 2020-09-15. Review status: criteria provided, single submitter. Criteria: ACMG Guidelines, 2015. Collection method: clinical testing. Allele origin: maternal, unknown. Inheritance: X-linked inheritance. Affected: yes and no. Observed: 1 heterozygote, 2 hemizygotes.

Women's Health and Genetics/Laboratory Corporation of America, LabCorp
Classification: Likely pathogenic for Cardiomyopathy. Last evaluated: 2019-11-25. Review status: criteria provided, single submitter. Criteria: LabCorp Variant Classification Summary - May 2015. Collection method: clinical testing. Allele origin: germline.
Comment: Variant summary: TAZ c.777+1G>A is located in a canonical splice-site and is predicted to affect mRNA splicing resulting in a significantly altered protein due to either exon skipping, shortening, or inclusion of intronic material. Several computational tools predict a significant impact on normal splicing: Four predict the variant abolishes a 5 splicing donor site. However, these predictions have yet to be confirmed by functional studies. The variant was absent in 183390 control chromosomes (gnomAD). To our knowledge, no occurrence of c.777+1G>A in individuals affected with Cardiomyopathy and no experimental evidence demonstrating its impact on protein function have been reported. No clinical diagnostic laboratories have submitted clinical-significance assessments for this variant to ClinVar after 2014. Based on the evidence outlined above, the variant was classified as likely pathogenic.

Literature cited by the submitters: PubMed 11238270 (cited by Labcorp Genetics (formerly Invitae), Labcorp); PubMed 37654687 (cited by Labcorp Genetics (formerly Invitae), Labcorp); PubMed 17576681 (cited by Labcorp Genetics (formerly Invitae), Labcorp); PubMed 9536098 (cited by Labcorp Genetics (formerly Invitae), Labcorp).